The following is an entry in ClinVar:

NM_018718.3(CEP41):c.1037A>G (p.Gln346Arg)

Gene: CEP41 (centrosomal protein 41; minus strand). Cytogenetic location: 7q32.2.
Variant type: single nucleotide variant.
Coding change: c.1037A>G on transcript NM_018718.3 (MANE Select); coding-DNA position 1037, A replaced by G.
Protein change: p.Gln346Arg; replaces glutamine 346 with arginine.
Molecular consequence: missense variant. On other transcripts: non-coding transcript variant (1).
Genome position (GRCh38, 1-based): chr7:130,398,976, T>C on the plus strand (A>G on the coding strand, the complement: CEP41 is on the minus strand). VCF-style: chr7-130398976-T-C. GRCh37 (hg19) VCF-style: chr7-130038817-T-C.
Other names: c.821A>G, p.Gln274Arg (NM_001257158.2); c.773A>G, p.Gln258Arg (NM_001257159.2); c.1037A>G (NM_018718.1); short protein forms Q258R, Q274R, Q346R.
Identifiers: ClinVar variation 847788 (VCV000847788.13), dbSNP rs782371437, ClinGen allele CA4485401.
Genomic context (GRCh38, chr7:130,398,976, plus strand): 5'-TGACCACTGCTGAGGGAGCGGGGGTTTGAGTGGCTGGCGGGGCCGCCACCTGGCAGATTC[T>C]GAGCGCTTCGGGCACCAGGCACCTTGGACTCTCTTCCGGAGGAGTTAGCTTGGTTCAGTC-3'
Protein context (NP_061188.1, residues 336-356): ESKVPGARSA[Gln346Arg]NLPGGGPASH

ClinVar aggregate classification (germline): Uncertain significance. Review status: criteria provided, multiple submitters, no conflicts (2 of 4 stars). 4 submissions from 4 submitters: Uncertain significance (3). 1 of the submissions does not count toward it. Last evaluated 2024-12-02.

Conditions:
Inborn genetic diseases. Identifiers: MedGen C0950123, MeSH D030342.
Joubert syndrome 15 (JBTS15). Identifiers: Orphanet 475, MedGen C3280897, MONDO:0013763, OMIM 614464.

Allele frequency attached by ClinVar (database versions not stated): gnomAD exomes below 0.00001 and 0.00001; ExAC 0.00002; gnomAD 0.00002 and 0.00003; TOPMed 0.00008.
gnomAD v4.1: 9 of 1,614,126 alleles (0.00056%); highest among the groups gnomAD compares: African/African-American, 0.011%; no homozygotes.

Submissions (4):

Labcorp Genetics (formerly Invitae), Labcorp
Classification: Uncertain significance for Joubert syndrome 15. Last evaluated: 2024-12-02. Review status: criteria provided, single submitter. Criteria: Invitae Variant Classification Sherloc (09022015). Collection method: clinical testing. Allele origin: germline.
Comment: This sequence change replaces glutamine, which is neutral and polar, with arginine, which is basic and polar, at codon 346 of the CEP41 protein (p.Gln346Arg). This variant is present in population databases (rs782371437, gnomAD 0.02%). This variant has not been reported in the literature in individuals affected with CEP41-related conditions. ClinVar contains an entry for this variant (Variation ID: 847788). Invitae Evidence Modeling of protein sequence and biophysical properties (such as structural, functional, and spatial information, amino acid conservation, physicochemical variation, residue mobility, and thermodynamic stability) indicates that this missense variant is not expected to disrupt CEP41 protein function with a negative predictive value of 80%. In summary, the available evidence is currently insufficient to determine the role of this variant in disease. Therefore, it has been classified as a Variant of Uncertain Significance.

Ambry Genetics
Classification: Uncertain significance for Inborn genetic diseases. Last evaluated: 2021-06-30. Review status: criteria provided, single submitter. Criteria: Ambry Variant Classification Scheme 2023. Collection method: clinical testing. Allele origin: germline.

GeneDx
Classification: Uncertain significance. Last evaluated: 2020-07-15. Review status: criteria provided, single submitter. Criteria: GeneDx Variant Classification Process June 2021. Collection method: clinical testing. Allele origin: germline. Affected: yes.
Comment: In silico analysis supports that this missense variant does not alter protein structure/function; Has not been previously published as pathogenic or benign to our knowledge

Joe DiMaggio Children's Hospital, Memorial Healthcare System
Classification: Pathogenic for Joubert syndrome 15. Review status: no assertion criteria provided. Collection method: clinical testing. Allele origin: unknown. Inheritance: Autosomal recessive inheritance. Affected: yes. Observed: 1 compound heterozygote. Not counted in ClinVar's aggregate classification.
Comment: "CEP41 is mutated in Joubert syndrome and is required for tubulin glutamylation at the cilium" (Lee et al. 2012). Lee et al. (2012) reported 8 patients from 3 consanguineous families with Joubert syndrome. All patients had hypotonia, ataxia, psychomotor delay with mental retardation, and the molar tooth sign on brain imaging. Additionally, "Joubert syndrome-15 is an autosomal recessive developmental disorder characterized by ataxia, hypotonia, delayed psychomotor development, and variable mental retardation. Other features, such as polydactyly, breathing abnormalities, and oculomotor apraxia, are variable" (summary by Lee et al., 2012). The c.1037A>G variant in CEP41 been observed in compound heterozygosity with c.1000G>A. As a compound heterozygote in an individual with abnormal brain MRI findings, this variant is classified as pathogenic based on functional studies.

Literature cited by the submitters: PubMed 22246503 (cited by Joe DiMaggio Children's Hospital, Memorial Healthcare System).